The following is an entry in ClinVar:

NM_001130009.3(GEN1):c.1175G>A (p.Arg392Lys)

Gene: GEN1 (GEN1 Holliday junction 5' flap endonuclease; plus strand). Cytogenetic location: 2p24.2.
Variant type: single nucleotide variant.
Coding change: c.1175G>A on transcript NM_001130009.3 (MANE Select); coding-DNA position 1175, G replaced by A.
Protein change: p.Arg392Lys; replaces arginine 392 with lysine.
Molecular consequence: missense variant.
Genome position (GRCh38, 1-based): chr2:17,774,374, G>A. VCF-style: chr2-17774374-G-A. GRCh37 (hg19) VCF-style: chr2-17955641-G-A.
Other names: c.1175G>A, p.Arg392Lys (NM_182625.5); short protein forms R392K.
Identifiers: ClinVar variation 4262977 (VCV004262977.1).

ClinVar aggregate classification (germline): Uncertain significance (1 of 4 stars; one submission).

gnomAD v4.1: 1 of 1,604,530 alleles (0.000062%); highest among the groups gnomAD compares: Non-Finnish European, 0.000085%; no homozygotes.

Submission:

Ambry Genetics
Classification: Uncertain significance. Last evaluated: 2025-06-15. Review status: criteria provided, single submitter. Criteria: Ambry Variant Classification Scheme 2023. Collection method: clinical testing. Allele origin: germline.
Comment: The p.R392K variant (also known as c.1175G>A), located in coding exon 10 of the GEN1 gene, results from a G to A substitution at nucleotide position 1175. The arginine at codon 392 is replaced by lysine, an amino acid with highly similar properties. This amino acid position is conserved. In addition, this alteration is predicted to be tolerated by in silico analysis. Based on the available evidence, the clinical significance of this variant remains unclear.